The following is an entry in ClinVar:

ClinVar aggregate classification (germline): Uncertain significance (1 of 4 stars; one submission).

Conditions:
Inborn genetic diseases. Identifiers: MedGen C0950123, MeSH D030342.

Submission:

Ambry Genetics
Classification: Uncertain significance for Inborn genetic diseases. Last evaluated: 2024-06-05. Review status: criteria provided, single submitter. Criteria: Ambry Variant Classification Scheme 2023. Collection method: clinical testing. Allele origin: germline.
Comment: The p.N331S variant (also known as c.992A>G), located in coding exon 8 of the EPAS1 gene, results from an A to G substitution at nucleotide position 992. The asparagine at codon 331 is replaced by serine, an amino acid with highly similar properties. This amino acid position is conserved. In addition, this alteration is predicted to be tolerated by in silico analysis. Based on the available evidence, the clinical significance of this variant remains unclear.

NM_001430.5(EPAS1):c.992A>G (p.Asn331Ser)

Gene: EPAS1 (endothelial PAS domain protein 1; plus strand). Cytogenetic location: 2p21.
Variant type: single nucleotide variant.
Coding change: c.992A>G on transcript NM_001430.5 (MANE Select); coding-DNA position 992, A replaced by G.
Protein change: p.Asn331Ser; replaces asparagine 331 with serine.
Molecular consequence: missense variant.
Genome position (GRCh38, 1-based): chr2:46,375,795, A>G. VCF-style: chr2-46375795-A-G. GRCh37 (hg19) VCF-style: chr2-46602934-A-G.
Other names: short protein forms N331S.
Identifiers: ClinVar variation 3275733 (VCV003275733.1).